The following is an entry in ClinVar:

ClinVar aggregate classification (germline): Uncertain significance. Review status: criteria provided, multiple submitters, no conflicts (2 of 4 stars). 5 submissions from 5 submitters: Uncertain significance (4). 1 of the submissions does not count toward it. Last evaluated 2025-11-24.

Conditions:
Hereditary cancer-predisposing syndrome. Also called: Hereditary neoplastic syndrome; Neoplastic Syndromes, Hereditary; Tumor predisposition; Hereditary Cancer Syndrome. Identifiers: Orphanet 140162, MedGen C0027672, MeSH D009386, MONDO:0015356.
Ataxia-telangiectasia syndrome (AT). Also called: LOUIS-BAR SYNDROME; Cerebello-oculocutaneous telangiectasia; Immunodeficiency with ataxia telangiectasia; AT, COMPLEMENTATION GROUP C; Ataxia-telangiectasia, complementation group D; ATAXIA-TELANGIECTASIA, COMPLEMENTATION GROUP A. Identifiers: Orphanet 100, MedGen C0004135, MONDO:0008840, OMIM 208900.

Allele frequency attached by ClinVar (database versions not stated): gnomAD exomes below 0.00001.
gnomAD v4.1: 2 of 1,509,972 alleles (0.00013%); highest among the groups gnomAD compares: Non-Finnish European, 0.000092%; no homozygotes.

Submissions (5):

Color Diagnostics, LLC DBA Color Health
Classification: Uncertain significance for Hereditary cancer-predisposing syndrome. Last evaluated: 2025-11-24. Review status: criteria provided, single submitter. Criteria: ACMG Guidelines, 2015. Collection method: clinical testing. Allele origin: germline.
Comment: This missense variant replaces threonine with arginine at codon 1242 of the ATM protein. Computational prediction suggests that this variant may not impact protein structure and function. To our knowledge, functional studies have not been reported for this variant. This variant has not been reported in individuals affected with ATM-related disorders in the literature. This variant has been identified in 2/1509972 chromosomes in the general population by the Genome Aggregation Database (gnomAD). The available evidence is insufficient to determine the role of this variant in disease conclusively. Therefore, this variant is classified as a Variant of Uncertain Significance.

Ambry Genetics
Classification: Uncertain significance for Hereditary cancer-predisposing syndrome. Last evaluated: 2025-06-06. Review status: criteria provided, single submitter. Criteria: Ambry Variant Classification Scheme 2023. Collection method: clinical testing. Allele origin: germline.
Comment: The p.T1242R variant (also known as c.3725C>G), located in coding exon 24 of the ATM gene, results from a C to G substitution at nucleotide position 3725. The threonine at codon 1242 is replaced by arginine, an amino acid with similar properties. This amino acid position is not well conserved in available vertebrate species. In addition, this alteration is predicted to be tolerated by in silico analysis. Based on the available evidence, the clinical significance of this variant remains unclear.

Catlab - Consorci Sanitari de Terrassa
Classification: Uncertain significance for Hereditary cancer-predisposing syndrome. Last evaluated: 2025-02-16. Review status: criteria provided, single submitter. Criteria: ClinGen HBOP ACMG Specifications ATM Version1_3. Collection method: clinical testing. Allele origin: germline.
Comment: Based on the currently available information, this variant is classified as Variant of Uncertain Significance according to ClinGen-ATM v1.3.0 guidelines. ACMG criteria: PM2_supp, BP4.

Labcorp Genetics (formerly Invitae), Labcorp
Classification: Uncertain significance for Ataxia-telangiectasia syndrome. Last evaluated: 2025-01-06. Review status: criteria provided, single submitter. Criteria: Invitae Variant Classification Sherloc (09022015). Collection method: clinical testing. Allele origin: germline.
Comment: This sequence change replaces threonine, which is neutral and polar, with arginine, which is basic and polar, at codon 1242 of the ATM protein (p.Thr1242Arg). This variant is present in population databases (no rsID available, gnomAD 0.0009%). This variant has not been reported in the literature in individuals affected with ATM-related conditions. ClinVar contains an entry for this variant (Variation ID: 481111). Invitae Evidence Modeling of protein sequence and biophysical properties (such as structural, functional, and spatial information, amino acid conservation, physicochemical variation, residue mobility, and thermodynamic stability) indicates that this missense variant is not expected to disrupt ATM protein function with a negative predictive value of 95%. RNA analysis performed to evaluate the impact of this missense change on mRNA splicing indicates it does not significantly alter splicing (internal data). In summary, the available evidence is currently insufficient to determine the role of this variant in disease. Therefore, it has been classified as a Variant of Uncertain Significance.

Natera, Inc.
Classification: Uncertain significance for Ataxia-telangiectasia. Last evaluated: 2021-02-08. Review status: no assertion criteria provided. Collection method: clinical testing. Allele origin: germline. Not counted in ClinVar's aggregate classification.

NM_000051.4(ATM):c.3725C>G (p.Thr1242Arg)

Gene: ATM (ATM serine/threonine kinase; plus strand). Cytogenetic location: 11q22.3.
Variant type: single nucleotide variant.
Coding change: c.3725C>G on transcript NM_000051.4 (MANE Select); coding-DNA position 3725, C replaced by G.
Protein change: p.Thr1242Arg; replaces threonine 1242 with arginine.
Molecular consequence: missense variant.
Genome position (GRCh38, 1-based): chr11:108,282,858, C>G. VCF-style: chr11-108282858-C-G. GRCh37 (hg19) VCF-style: chr11-108153585-C-G.
Other names: c.3725C>G, p.Thr1242Arg (NM_001351834.2); short protein forms T1242R.
Identifiers: ClinVar variation 481111 (VCV000481111.21), dbSNP rs1266811647, ClinGen allele CA382523772.
Genomic context (GRCh38, chr11:108,282,858, plus strand): 5'-TAAATCTTCAAGATACTGAATACAACTTATCTTCTTTTCCTTTTATTTTATTAAACTACA[C>G]AAATATTGAGGATTTCTATAGGTAAGTTTATACATGACATATGTGAAATTTGTTTAATTT-3'
Protein context (NP_000042.3, residues 1232-1252): SSFPFILLNY[Thr1242Arg]NIEDFYRSCY